The following is an entry in ClinVar:

NM_001010892.3(RSPH4A):c.1934A>G (p.Tyr645Cys)

Gene: RSPH4A (radial spoke head component 4A; plus strand). Cytogenetic location: 6q22.1.
Variant type: single nucleotide variant.
Coding change: c.1934A>G on transcript NM_001010892.3 (MANE Select); coding-DNA position 1934, A replaced by G.
Protein change: p.Tyr645Cys; replaces tyrosine 645 with cysteine.
Molecular consequence: missense variant.
Genome position (GRCh38, 1-based): chr6:116,632,224, A>G. VCF-style: chr6-116632224-A-G. GRCh37 (hg19) VCF-style: chr6-116953387-A-G.
Other names: c.1798A>G, p.Thr600Ala (NM_001161664.2); short protein forms Y645C, T600A.
Identifiers: ClinVar variation 566292 (VCV000566292.9), dbSNP rs746646378, ClinGen allele CA3971091.
Genomic context (GRCh38, chr6:116,632,224, plus strand): 5'-TTATATAATGATCTTTTTTTCTTCTTCTTTTTCTTACTTATAGAAAGTTTGAAAATTTCT[A>G]CATAGGCTGGGGTCATAAGTATAGTCCAGACAATTATACACCCCCAGTTCCACCACCAGT-3'
Protein context (NP_001010892.1, residues 635-655): FSNGKKFENF[Tyr645Cys]IGWGHKYSPD

ClinVar aggregate classification (germline): Uncertain significance. Review status: criteria provided, multiple submitters, no conflicts (2 of 4 stars). 2 submissions from 2 submitters: Uncertain significance (2). Last evaluated 2023-02-22.

Conditions:
Primary ciliary dyskinesia. Also called: Ciliary dyskinesia. Identifiers: Orphanet 244, MedGen C0008780, MONDO:0016575, HP:0012265.

Allele frequency attached by ClinVar (database versions not stated): ExAC below 0.00001; gnomAD exomes below 0.00001; gnomAD 0.00001; TOPMed 0.00001.
gnomAD v4.1: 3 of 1,610,424 alleles (0.00019%); highest among the groups gnomAD compares: Non-Finnish European, 0.00025%; no homozygotes.

Submissions (2):

Ambry Genetics
Classification: Uncertain significance for Primary ciliary dyskinesia. Last evaluated: 2023-02-22. Review status: criteria provided, single submitter. Criteria: Ambry Variant Classification Scheme 2023. Collection method: clinical testing. Allele origin: germline.

Labcorp Genetics (formerly Invitae), Labcorp
Classification: Uncertain significance for Primary ciliary dyskinesia. Last evaluated: 2018-04-24. Review status: criteria provided, single submitter. Criteria: Invitae Variant Classification Sherloc (09022015). Collection method: clinical testing. Allele origin: germline.
Comment: This sequence change replaces tyrosine with cysteine at codon 645 of the RSPH4A protein (p.Tyr645Cys). The tyrosine residue is highly conserved and there is a large physicochemical difference between tyrosine and cysteine. The frequency data for this variant in the population databases is considered unreliable, as metrics indicate poor data quality at this position in the ExAC database. While it is unknown if these two variants are on the same or opposite chromosomes, this observation suggests the c.1934A>G substitution may contribute to the cause of disease. Algorithms developed to predict the effect of missense changes on protein structure and function do not agree on the potential impact of this missense change (SIFT: "Deleterious"; PolyPhen-2: "Probably Damaging"; Align-GVGD: "Class C0"). In summary, the available evidence is currently insufficient to determine the role of this variant in disease. Therefore, it has been classified as a Variant of Uncertain Significance.